The following is an entry in ClinVar:

NM_032776.3(JMJD1C):c.4837G>C (p.Val1613Leu)

Gene: JMJD1C (jumonji domain containing 1C; minus strand). Cytogenetic location: 10q21.3.
Variant type: single nucleotide variant.
Coding change: c.4837G>C on transcript NM_032776.3 (MANE Select); coding-DNA position 4837, G replaced by C.
Protein change: p.Val1613Leu; replaces valine 1613 with leucine.
Molecular consequence: missense variant. On other transcripts: non-coding transcript variant (1).
Genome position (GRCh38, 1-based): chr10:63,206,832, C>G on the plus strand (G>C on the coding strand, the complement: JMJD1C is on the minus strand). VCF-style: chr10-63206832-C-G. GRCh37 (hg19) VCF-style: chr10-64966592-C-G.
Other names: c.4291G>C, p.Val1431Leu (NM_001282948.2, NM_001318154.2); c.3973G>C, p.Val1325Leu (NM_001318153.2); c.4723G>C, p.Val1575Leu (NM_001322252.2); c.4180G>C, p.Val1394Leu (NM_001322254.2, NM_001322258.2); c.4837G>C (NM_032776.1); short protein forms V1325L, V1394L, V1431L, V1575L, V1613L.
Identifiers: ClinVar variation 2775719 (VCV002775719.4), dbSNP rs1846682014, ClinGen allele CA377036259.

ClinVar aggregate classification (germline): Uncertain significance. Review status: criteria provided, multiple submitters, no conflicts (2 of 4 stars). 2 submissions from 2 submitters: Uncertain significance (2). Last evaluated 2025-09-28.

Conditions:
Early Myoclonic Encephalopathy. Identifiers: MedGen C0270855.

Allele frequency attached by ClinVar (database versions not stated): TOPMed below 0.00001.

Submissions (2):

Ambry Genetics
Classification: Uncertain significance. Last evaluated: 2025-09-28. Review status: criteria provided, single submitter. Criteria: Ambry Variant Classification Scheme 2023. Collection method: clinical testing. Allele origin: germline.

Labcorp Genetics (formerly Invitae), Labcorp
Classification: Uncertain significance for Early Myoclonic Encephalopathy. Last evaluated: 2023-04-25. Review status: criteria provided, single submitter. Criteria: Invitae Variant Classification Sherloc (09022015). Collection method: clinical testing. Allele origin: germline.
Comment: Advanced modeling of protein sequence and biophysical properties (such as structural, functional, and spatial information, amino acid conservation, physicochemical variation, residue mobility, and thermodynamic stability) performed at Invitae indicates that this missense variant is not expected to disrupt JMJD1C protein function. In summary, the available evidence is currently insufficient to determine the role of this variant in disease. Therefore, it has been classified as a Variant of Uncertain Significance. This variant has not been reported in the literature in individuals affected with JMJD1C-related conditions. This variant is not present in population databases (gnomAD no frequency). This sequence change replaces valine, which is neutral and non-polar, with leucine, which is neutral and non-polar, at codon 1613 of the JMJD1C protein (p.Val1613Leu).